The following is an entry in ClinVar:

NM_001754.5(RUNX1):c.485G>A (p.Arg162Lys)

Genes: RUNX1 (RUNX family transcription factor 1; minus strand), RUNX1-AS1 (RUNX1 antisense RNA 1; plus strand). Cytogenetic location: 21q22.12.
Variant type: single nucleotide variant.
Coding change: c.485G>A on transcript NM_001754.5 (MANE Select); coding-DNA position 485, G replaced by A.
Protein change: p.Arg162Lys; replaces arginine 162 with lysine.
Molecular consequence: missense variant.
Genome position (GRCh38, 1-based): chr21:34,880,580, C>T on the plus strand (G>A on the coding strand, the complement: RUNX1 is on the minus strand). VCF-style: chr21-34880580-C-T. GRCh37 (hg19) VCF-style: chr21-36252877-C-T.
Other names: NM_001754.5(RUNX1):c.485G>A; p.Arg162Lys; c.404G>A, p.Arg135Lys (NM_001001890.3, NM_001122607.2); short protein forms R162K, R135K.
Identifiers: ClinVar variation 376021 (VCV000376021.19), dbSNP rs1057519750, ClinGen allele CA16602490.

ClinVar aggregate classification (germline): Likely pathogenic. Review status: reviewed by expert panel (3 of 4 stars). 4 submissions from 4 submitters: Likely pathogenic (1). 3 of the submissions do not count toward it. Last evaluated 2026-04-29.
ClinVar aggregate classification (somatic clinical impact): Tier I - Strong. Review status: no assertion criteria provided (0 of 4 stars). 2 submissions from 1 submitter. Last evaluated 2024-01-24.
ClinVar aggregate classification (oncogenicity): Likely oncogenic (1 of 4 stars; one submission).

Conditions:
Hereditary thrombocytopenia and hematologic cancer predisposition syndrome. Identifiers: Orphanet 71290, MedGen CN281654, MONDO:0011071.
Inborn genetic diseases. Identifiers: MedGen C0950123, MeSH D030342.
Acute myeloid leukemia (AML). Also called: Leukemia, acute myeloid, somatic; Leukemia, acute myelogenous, somatic; Acute myeloid leukemia, adult; AML adult; Acute non-lymphocytic leukemia; Acute granulocytic leukemia. Identifiers: Orphanet 519, MedGen C0023467, MeSH D015470, MONDO:0018874, OMIM 601626, HP:0004808. Disease mechanism: Constitutively activated FLT3.
Hereditary thrombocytopenia and hematological cancer predisposition syndrome associated with RUNX1. Also called: Familial thrombocytopenia with propensity to acute myelogenous leukemia; Familial Platelet Disorder with Propensity to Acute Myelogenous Leukemia; PLATELET DISORDER, ASPIRIN-LIKE; RUNX1 Familial Platelet Disorder with Associated Myeloid Malignancies. Identifiers: Orphanet 71290, MedGen C1832388, MeSH C563324, MONDO:0100083, OMIM 601399.
Neoplasm. Also called: Neoplasms; Neoplasm (disease); tumor. Identifiers: MedGen C0027651, MeSH D009369, MONDO:0005070, HP:0002664.

Allele frequency attached by ClinVar (database versions not stated): gnomAD exomes below 0.00001; TOPMed below 0.00001.
gnomAD v4.1: 1 of 1,614,128 alleles (0.000062%); highest among the groups gnomAD compares: Non-Finnish European, 0.000085%; no homozygotes.

Submissions (7):

ClinGen Myeloid Malignancy Variant Curation Expert Panel
Classification: Likely pathogenic for Hereditary thrombocytopenia and hematologic cancer predisposition syndrome. Last evaluated: 2026-04-29. Review status: reviewed by expert panel. Criteria: ClinGen MyeloMalig ACMG Specifications V3.1. Collection method: curation. Allele origin: germline. Inheritance: Autosomal dominant inheritance.
Comment: NM_001754.5(RUNX1):c.485G>A (p.Arg162Lys) is a missense variant which affects one of the hotspot residues (R162) in the RHD (PM1_strong). This variant has a REVEL score ≥ 0.88 (0.949) (PP3) and a MAF ≤ 0.00005 in gnomAD v4 across all subpopulations with at least 20x coverage for RUNX1 (PM2_supporting). In summary, this variant meets criteria to be classified as likely pathogenic. ACMG/AMP criteria applied, as specified by the Myeloid Malignancy Variant Curation Expert Panel for RUNX1: PM1_strong, PM2_supporting, PP3.

Center for Genomic Medicine, Rigshospitalet, Copenhagen University Hospital
Classification: Likely oncogenic for Neoplasm. Last evaluated: 2026-10-16. Review status: criteria provided, single submitter. Criteria: ClinGen/CGC/VICC Guidelines for Oncogenicity, 2022. Collection method: clinical testing. Allele origin: somatic. Affected: yes.

Ambry Genetics
Classification: Uncertain significance for Inborn genetic diseases. Last evaluated: 2025-07-17. Review status: criteria provided, single submitter. Criteria: Ambry Variant Classification Scheme 2023. Collection method: clinical testing. Allele origin: germline. Not counted in ClinVar's aggregate classification.
Comment: The p.R162K variant (also known as c.485G>A), located in coding exon 4 of the RUNX1 gene, results from a G to A substitution at nucleotide position 485. The arginine at codon 162 is replaced by lysine, an amino acid with highly similar properties. This amino acid position is highly conserved in available vertebrate species. In addition, this alteration is predicted to be deleterious by in silico analysis. Based on the available evidence, the clinical significance of this variant remains unclear.

Johns Hopkins Genomics, Johns Hopkins University
Classification: Uncertain significance for Acute myeloid leukemia. Last evaluated: 2023-08-23. Review status: criteria provided, single submitter. Criteria: ACMG Guidelines, 2015. Collection method: clinical testing. Allele origin: germline. Not counted in ClinVar's aggregate classification.
Comment: c.485G>A commonly occurs as a somatic variant in association with RUNX1-related disease6, but it has not been reported to occur as a germline variant causative of RUNX1-related disease in the literature, to our knowledge. It is absent from a large population dataset , and has been reported in ClinVar (Variation ID 376021). Two bioinformatic tools queried predict that this substitution would be damaging, but these algorithms have low specificity, especially for predicting gain of function or dominant negative variants. The arginine residue at this position is evolutionarily conserved across all of the species assessed. We consider the clinical significance of c.485G>A in RUNX1 to be uncertain at this time.

Labcorp Genetics (formerly Invitae), Labcorp
Classification: Uncertain significance for Hereditary thrombocytopenia and hematological cancer predisposition syndrome associated with RUNX1. Last evaluated: 2023-07-27. Review status: criteria provided, single submitter. Criteria: Invitae Variant Classification Sherloc (09022015). Collection method: clinical testing. Allele origin: germline. Not counted in ClinVar's aggregate classification.
Comment: This variant is not present in population databases (gnomAD no frequency). This sequence change replaces arginine, which is basic and polar, with lysine, which is basic and polar, at codon 162 of the RUNX1 protein (p.Arg162Lys). This variant has not been reported in the literature in individuals affected with RUNX1-related conditions. In summary, the available evidence is currently insufficient to determine the role of this variant in disease. Therefore, it has been classified as a Variant of Uncertain Significance. Experimental studies have shown that this missense change affects RUNX1 function (PMID: 25840971). Advanced modeling of protein sequence and biophysical properties (such as structural, functional, and spatial information, amino acid conservation, physicochemical variation, residue mobility, and thermodynamic stability) performed at Invitae indicates that this missense variant is expected to disrupt RUNX1 protein function. ClinVar contains an entry for this variant (Variation ID: 376021). This variant is also known as 404G>A, Arg135Lys.

Molecular Diagnostics Laboratory, Fox Chase Cancer Center - Temple Health
Classification: Tier I - Strong for Acute myeloid leukemia. Assertion type: diagnostic. Clinical significance: supports diagnosis. Last evaluated: 2024-01-24. Review status: no assertion criteria provided. Collection method: clinical testing. Allele origin: somatic. Affected: yes.
Comment: It was classified likely pathogenic in Hereditary Thrombocytopenia and Hematologic Cancer Predisposition Syndrome by a ClinGen expert panel.

Molecular Diagnostics Laboratory, Fox Chase Cancer Center - Temple Health
Classification: Tier I - Strong for Acute myeloid leukemia. Assertion type: prognostic. Clinical significance: poor outcome. Last evaluated: 2024-01-24. Review status: no assertion criteria provided. Collection method: clinical testing. Allele origin: somatic. Affected: yes.
Comment: AML patients harboring RUNX1 mutations, in the absence of other favorable risk markers, have been placed in the poor/adverse risk category by the 2017 European LeukemiaNet recommendations for AML, which are cited in the NCCN Guidelines (v.1.2022) (Döhner et al., 2017;27895058).

Literature cited by the submitters: PubMed 25840971 (cited by Johns Hopkins Genomics, Johns Hopkins University and Labcorp Genetics (formerly Invitae), Labcorp); PubMed 32208489 (cited by Johns Hopkins Genomics, Johns Hopkins University); PubMed 32730663 (cited by Molecular Diagnostics Laboratory, Fox Chase Cancer Center - Temple Health); PubMed 28933735 (cited by Molecular Diagnostics Laboratory, Fox Chase Cancer Center - Temple Health); PubMed 22753902 (cited by Molecular Diagnostics Laboratory, Fox Chase Cancer Center - Temple Health); PubMed 21343560 (cited by Molecular Diagnostics Laboratory, Fox Chase Cancer Center - Temple Health); PubMed 21148331 (cited by Molecular Diagnostics Laboratory, Fox Chase Cancer Center - Temple Health); PubMed 19808697 (cited by Molecular Diagnostics Laboratory, Fox Chase Cancer Center - Temple Health); PubMed 27137476 (cited by Molecular Diagnostics Laboratory, Fox Chase Cancer Center - Temple Health); PubMed 27288520 (cited by Molecular Diagnostics Laboratory, Fox Chase Cancer Center - Temple Health); PubMed 28297624 (cited by Molecular Diagnostics Laboratory, Fox Chase Cancer Center - Temple Health); PubMed 27895058 (cited by Molecular Diagnostics Laboratory, Fox Chase Cancer Center - Temple Health).